The following is an entry in ClinVar:

NM_014625.4(NPHS2):c.37_39delinsGT (p.Arg13fs)

Gene: NPHS2 (NPHS2 stomatin family member, podocin; minus strand). Cytogenetic location: 1q25.2.
Variant type: Indel.
Coding change: c.37_39delinsGT on transcript NM_014625.4 (MANE Select); coding-DNA positions 37 to 39, CGC replaced by GT.
Protein change: p.Arg13fs; shifts the reading frame from arginine 13.
Molecular consequence: frameshift variant.
Genome position (GRCh38, 1-based): chr1:179,575,826-179,575,828, GCG replaced by AC on the plus strand (CGC replaced by GT on the coding strand, the reverse complement: NPHS2 is on the minus strand). VCF-style: chr1-179575826-GCG-AC. GRCh37 (hg19) VCF-style: chr1-179544961-GCG-AC.
Other names: c.37_39delinsGT, p.Arg13fs (NM_001297575.2); short protein forms R13fs.
Identifiers: ClinVar variation 5012324 (VCV005012324.1).
Genomic context (GRCh38, chr1:179,575,826, plus strand): 5'-GCCGCTCCTCTCGGCCTTTGCCCTCTTGTTCTCCTTGTGCGGAGTCCTGCCGCCTCGCCC[GCG>AC]GGACTCCCTGGAGGAGCTCCGCGCCCTCCTCTCCATCCTCAGAGCTGCCGGGCGGCTGGA-3'

ClinVar aggregate classification (germline): Pathogenic (1 of 4 stars; one submission).

Conditions:
Nephrotic syndrome, type 2 (NPHS2). Also called: NEPHROTIC SYNDROME, STEROID-RESISTANT, AUTOSOMAL RECESSIVE. Identifiers: Orphanet 656, MedGen C1868672, MONDO:0010974, OMIM 600995.

Submission:

Myriad Genetics, Inc.
Classification: Pathogenic for Nephrotic syndrome, type 2. Last evaluated: 2023-09-28. Review status: criteria provided, single submitter. Criteria: Myriad Autosomal Dominant, Autosomal Recessive and X-Linked Classification Criteria (2023). Collection method: clinical testing. Allele origin: unknown.
Comment: NM_014625.2(NPHS2):c.37_39delCGCinsGT(R13Vfs*86) is expected to be pathogenic in the context of nephrotic syndrome, NPHS2-related. This variant is predicted to lead to an abnormal or absent protein product due to the creation of a premature termination codon in NPHS2, a gene where loss-of-function variants are known to be pathogenic. Please note: this variant was assessed in the context of healthy population screening.